The following is an entry in ClinVar:

ClinVar aggregate classification (germline): Uncertain significance (1 of 4 stars; one submission).

Submission:

GeneDx
Classification: Uncertain significance. Last evaluated: 2024-03-10. Review status: criteria provided, single submitter. Criteria: GeneDx Variant Classification Process June 2021. Collection method: clinical testing. Allele origin: germline. Affected: yes.
Comment: Not observed at significant frequency in large population cohorts (gnomAD); In silico analysis supports that this missense variant has a deleterious effect on protein structure/function; Has not been previously published as pathogenic or benign to our knowledge

NM_022552.5(DNMT3A):c.1897C>G (p.Pro633Ala)

Gene: DNMT3A (DNA methyltransferase 3 alpha; minus strand). Cytogenetic location: 2p23.3.
Variant type: single nucleotide variant.
Coding change: c.1897C>G on transcript NM_022552.5 (MANE Select); coding-DNA position 1897, C replaced by G.
Protein change: p.Pro633Ala; replaces proline 633 with alanine.
Molecular consequence: missense variant. On other transcripts: non-coding transcript variant (1).
Genome position (GRCh38, 1-based): chr2:25,243,937, G>C on the plus strand (C>G on the coding strand, the complement: DNMT3A is on the minus strand). VCF-style: chr2-25243937-G-C. GRCh37 (hg19) VCF-style: chr2-25466806-G-C.
Other names: c.1441C>G, p.Pro481Ala (NM_001320893.1); c.1228C>G, p.Pro410Ala (NM_001375819.1); c.1330C>G, p.Pro444Ala (NM_153759.3); c.1897C>G, p.Pro633Ala (NM_175629.2); short protein forms P410A, P444A, P481A, P633A.
Identifiers: ClinVar variation 3370833 (VCV003370833.1).